The following is an entry in ClinVar:

ClinVar aggregate classification (germline): Uncertain significance. Review status: criteria provided, multiple submitters, no conflicts (2 of 4 stars). 2 submissions from 2 submitters: Uncertain significance (2). Last evaluated 2022-07-05.

Allele frequency attached by ClinVar (database versions not stated): TOPMed below 0.00001.
gnomAD v4.1: 5 of 1,611,326 alleles (0.00031%); highest among the groups gnomAD compares: Non-Finnish European, 0.00042%; no homozygotes.

Submissions (2):

Labcorp Genetics (formerly Invitae), Labcorp
Classification: Uncertain significance. Last evaluated: 2022-07-05. Review status: criteria provided, single submitter. Criteria: Invitae Variant Classification Sherloc (09022015). Collection method: clinical testing. Allele origin: germline.
Comment: In summary, the available evidence is currently insufficient to determine the role of this variant in disease. Therefore, it has been classified as a Variant of Uncertain Significance. Algorithms developed to predict the effect of missense changes on protein structure and function are either unavailable or do not agree on the potential impact of this missense change (SIFT: "Deleterious"; PolyPhen-2: "Benign"; Align-GVGD: "Class C0"). ClinVar contains an entry for this variant (Variation ID: 1404354). This variant has not been reported in the literature in individuals affected with CTNNA1-related conditions. This variant is not present in population databases (gnomAD no frequency). This sequence change replaces aspartic acid, which is acidic and polar, with valine, which is neutral and non-polar, at codon 362 of the CTNNA1 protein (p.Asp362Val).

Blueprint Genetics
Classification: Uncertain significance. Last evaluated: 2019-03-06. Review status: criteria provided, single submitter. Criteria: ACMG Guidelines, 2015. Collection method: clinical testing. Allele origin: germline.

NM_001903.5(CTNNA1):c.1085A>T (p.Asp362Val)

Gene: CTNNA1 (catenin alpha 1; plus strand). Cytogenetic location: 5q31.2.
Variant type: single nucleotide variant.
Coding change: c.1085A>T on transcript NM_001903.5 (MANE Select); coding-DNA position 1085, A replaced by T.
Protein change: p.Asp362Val; replaces aspartic acid 362 with valine.
Molecular consequence: missense variant. On other transcripts: 5 prime UTR variant (26), intron variant (2).
Genome position (GRCh38, 1-based): chr5:138,886,234, A>T. VCF-style: chr5-138886234-A-T. GRCh37 (hg19) VCF-style: chr5-138221923-A-T.
Other names: c.1085A>T, p.Asp362Val (NM_001290307.3, NM_001323982.2, NM_001323983.1 and 3 more transcripts); c.776A>T, p.Asp259Val (NM_001290309.3); c.716A>T, p.Asp239Val (NM_001290310.3); c.-26A>T (NM_001290312.1, NM_001323987.1, NM_001323988.1 and 18 more transcripts); c.-423A>T (NM_001324006.1, NM_001324007.1, NM_001324008.1 and 1 more transcripts); c.-298A>T (NM_001324013.1); c.-58+10637A>T (NM_001324012.1); c.-61+10637A>T (NM_001324010.1); short protein forms D239V, D259V, D362V.
Identifiers: ClinVar variation 1404354 (VCV001404354.7), dbSNP rs1581474079, ClinGen allele CA361132517.